The following is an entry in ClinVar:

ClinVar aggregate classification (germline): Pathogenic. Review status: criteria provided, multiple submitters, no conflicts (2 of 4 stars). 2 submissions from 2 submitters: Pathogenic (2). Last evaluated 2026-01-05.

Conditions:
Progressive myoclonic epilepsy. Also called: Familial progressive myoclonic epilepsy; Myoclonic Epilepsies, Progressive; Myoclonus epilepsy; Progressive myoclonus epilepsy. Identifiers: Orphanet 308, Orphanet 98261, MedGen C0751778, MONDO:0020074.

Submissions (2):

Labcorp Genetics (formerly Invitae), Labcorp
Classification: Pathogenic for Progressive myoclonic epilepsy. Last evaluated: 2026-01-05. Review status: criteria provided, single submitter. Criteria: Invitae Variant Classification Sherloc (09022015). Collection method: clinical testing. Allele origin: germline.
Comment: This sequence change creates a premature translational stop signal (p.Tyr157Serfs*13) in the EPM2A gene. It is expected to result in an absent or disrupted protein product. Loss-of-function variants in EPM2A are known to be pathogenic (PMID: 20738377). This variant is not present in population databases (gnomAD no frequency). This variant has not been reported in the literature in individuals affected with EPM2A-related conditions. ClinVar contains an entry for this variant (Variation ID: 423471). For these reasons, this variant has been classified as Pathogenic.

GeneDx
Classification: Pathogenic. Last evaluated: 2017-02-21. Review status: criteria provided, single submitter. Criteria: GeneDx Variant Classification (06012015). Collection method: clinical testing. Allele origin: germline. Affected: yes.
Comment: The c.466_469dupCATT variant in the EPM2A gene causes a frameshift starting with codon Tyrosine 157, changes this amino acid to a Serine residue and creates a premature Stop codon at position 13 of the new reading frame, denoted p.Y157SfsX13. This variant is predicted to cause loss of normal protein function either through protein truncation or nonsense mediated mRNA decay. The c.466_469dupCATT variant is not observed in large population cohorts (Lek et al., 2016; 1000 Genomes Consortium et al., 2015; Exome Variant Server. Therefore, we interpret c.466_469dupCATT as a pathogenic variant.

Literature cited by the submitters: PubMed 20738377 (cited by Labcorp Genetics (formerly Invitae), Labcorp).

NM_005670.4(EPM2A):c.466_469dup (p.Tyr157fs)

Gene: EPM2A (EPM2A glucan phosphatase, laforin; minus strand). Cytogenetic location: 6q24.3.
Variant type: Duplication.
Coding change: c.466_469dup on transcript NM_005670.4 (MANE Select); coding-DNA positions 466 to 469, 4 bases duplicated (CATT; older notation c.466_469dupCATT).
Protein change: p.Tyr157fs; shifts the reading frame from tyrosine 157.
Molecular consequence: frameshift variant. On other transcripts: 5 prime UTR variant (2), non-coding transcript variant (1).
Genome position (GRCh38, 1-based): chr6:145,686,129-145,686,132, AATG duplicated on the plus strand (CATT on the coding strand, the reverse complement: EPM2A is on the minus strand). VCF-style (leftmost placement, unchanged base first): chr6-145686128-T-TAATG. GRCh37 (hg19) VCF-style: chr6-146007264-T-TAATG.
Other names: c.466_469dup, p.Tyr157fs (NM_001018041.2, NM_001360057.2, NM_001368130.1); c.52_55dup, p.Tyr19fs (NM_001360064.2, NM_001360071.2, NM_001368131.1); c.-158_-155dup (NM_001368129.2, NM_001368132.1); short protein forms Y157fs, Y19fs.
Identifiers: ClinVar variation 423471 (VCV000423471.5), dbSNP rs1554263320, ClinGen allele CA16618250.